The following is an entry in ClinVar:

NM_001267550.2(TTN):c.97506_97507insTT (p.Pro32503fs)

Genes: TTN-AS1 (TTN antisense RNA 1; plus strand), TTN (titin; minus strand). Cytogenetic location: 2q31.2.
Variant type: Insertion.
Coding change: c.97506_97507insTT on transcript NM_001267550.2 (MANE Select); coding-DNA positions 97506 to 97507, TT inserted.
Protein change: p.Pro32503fs; shifts the reading frame from proline 32503.
Molecular consequence: frameshift variant.
Genome position: GRCh38 VCF-style: chr2-178541570-G-GAA. GRCh37 (hg19) VCF-style: chr2-179406297-G-GAA.
Other names: c.92583_92584insTT, p.Pro30862fs (NM_001256850.1); c.70311_70312insTT, p.Pro23438fs (NM_003319.4); c.89802_89803insTT, p.Pro29935fs (NM_133378.4); c.70686_70687insTT, p.Pro23563fs (NM_133432.3); c.70887_70888insTT, p.Pro23630fs (NM_133437.4); short protein forms P30862fs, P32503fs, P23630fs, P29935fs, P23438fs, P23563fs.
Identifiers: ClinVar variation 960412 (VCV000960412.10), dbSNP rs1694530382, ClinGen allele CA1139657416.

ClinVar aggregate classification (germline): Likely pathogenic (1 of 4 stars; one submission).

Conditions:
Dilated cardiomyopathy 1G (CMD1G). Identifiers: Orphanet 154, MedGen C1858763, MONDO:0011400, OMIM 604145.
Autosomal recessive limb-girdle muscular dystrophy type 2J (LGMDR10). Also called: Limb-girdle muscular dystrophy, type 2J; MUSCULAR DYSTROPHY, LIMB-GIRDLE, AUTOSOMAL RECESSIVE 10. Identifiers: Orphanet 140922, MedGen C1837342, MONDO:0012127, OMIM 608807.

Submission:

Labcorp Genetics (formerly Invitae), Labcorp
Classification: Likely pathogenic for Dilated cardiomyopathy 1G; Autosomal recessive limb-girdle muscular dystrophy type 2J. Last evaluated: 2019-10-10. Review status: criteria provided, single submitter. Criteria: Invitae Variant Classification Sherloc (09022015). Collection method: clinical testing. Allele origin: germline.
Comment: This sequence change results in a premature translational stop signal in the TTN gene (p.Pro32503Phefs*15). While this is not anticipated to result in nonsense mediated decay, it is expected to create a truncated TTN protein. In summary, the currently available evidence indicates that the variant is pathogenic, but additional data are needed to prove that conclusively. Therefore, this variant has been classified as Likely Pathogenic. This variant is located in the A band of TTN (PMID: 25589632). Truncating variants in this region are significantly overrepresented in patients affected with dilated cardiomyopathy (PMID: 25589632). Truncating variants in this region have also been reported in individuals affected with autosomal recessive centronuclear myopathy (PMID: 23975875). This variant has not been reported in the literature in individuals with TTN-related conditions. This variant is not present in population databases (ExAC no frequency).

Literature cited by the submitters: PubMed 25589632; PubMed 23975875.